The following is an entry in ClinVar:

NM_000057.4(BLM):c.860C>T (p.Pro287Leu)

Gene: BLM (BLM RecQ like helicase; plus strand). Cytogenetic location: 15q26.1.
Variant type: single nucleotide variant.
Coding change: c.860C>T on transcript NM_000057.4 (MANE Select); coding-DNA position 860, C replaced by T.
Protein change: p.Pro287Leu; replaces proline 287 with leucine.
Molecular consequence: missense variant. On other transcripts: 5 prime UTR variant (1).
Genome position (GRCh38, 1-based): chr15:90,751,847, C>T. VCF-style: chr15-90751847-C-T. GRCh37 (hg19) VCF-style: chr15-91295077-C-T.
Other names: c.860C>T, p.Pro287Leu (NM_001287246.2, NM_001287247.2); c.-432C>T (NM_001287248.2); short protein forms P287L.
Identifiers: ClinVar variation 3824456 (VCV003824456.1).

ClinVar aggregate classification (germline): Uncertain significance (1 of 4 stars; one submission).

Conditions:
Hereditary cancer-predisposing syndrome. Also called: Hereditary neoplastic syndrome; Neoplastic Syndromes, Hereditary; Tumor predisposition; Hereditary Cancer Syndrome. Identifiers: Orphanet 140162, MedGen C0027672, MeSH D009386, MONDO:0015356.

Submission:

Ambry Genetics
Classification: Uncertain significance for Hereditary cancer-predisposing syndrome. Last evaluated: 2025-01-19. Review status: criteria provided, single submitter. Criteria: Ambry Variant Classification Scheme 2023. Collection method: clinical testing. Allele origin: germline.
Comment: The p.P287L variant (also known as c.860C>T), located in coding exon 3 of the BLM gene, results from a C to T substitution at nucleotide position 860. The proline at codon 287 is replaced by leucine, an amino acid with similar properties. This amino acid position is conserved. In addition, this alteration is predicted to be tolerated by in silico analysis. Based on the available evidence, the clinical significance of this variant remains unclear.